The following is an entry in ClinVar:

NM_004655.4(AXIN2):c.1201-3C>T

Gene: AXIN2 (axin 2; minus strand). Cytogenetic location: 17q24.1.
Variant type: single nucleotide variant.
Coding change: c.1201-3C>T on transcript NM_004655.4 (MANE Select); 3 bases into the intron before coding-DNA position 1201, C replaced by T.
Molecular consequence: intron variant.
Genome position (GRCh38, 1-based): chr17:65,537,838, G>A on the plus strand (C>T on the coding strand, the complement: AXIN2 is on the minus strand). VCF-style: chr17-65537838-G-A. GRCh37 (hg19) VCF-style: chr17-63533956-G-A.
Other names: c.1201-3C>T (NM_001363813.1).
Identifiers: ClinVar variation 964061 (VCV000964061.12), dbSNP rs1358032988, ClinGen allele CA627152098.

ClinVar aggregate classification (germline): Uncertain significance. Review status: criteria provided, multiple submitters, no conflicts (2 of 4 stars). 2 submissions from 2 submitters: Uncertain significance (2). Last evaluated 2023-12-14.

Conditions:
Hereditary cancer-predisposing syndrome. Also called: Tumor predisposition; Hereditary neoplastic syndrome; Hereditary Cancer Syndrome; Neoplastic Syndromes, Hereditary. Identifiers: Orphanet 140162, MedGen C0027672, MeSH D009386, MONDO:0015356.
Oligodontia-cancer predisposition syndrome. Also called: TOOTH AGENESIS-COLORECTAL CANCER SYNDROME. Identifiers: Orphanet 300576, MedGen C1837750, MONDO:0012075, OMIM 608615. Disease mechanism: loss of function.

Allele frequency attached by ClinVar (database versions not stated): TOPMed below 0.00001; gnomAD exomes 0.00001.
gnomAD v4.1: 3 of 1,546,632 alleles (0.00019%); highest among the groups gnomAD compares: East Asian, 0.0023%; no homozygotes.

Submissions (2):

Ambry Genetics
Classification: Uncertain significance for Hereditary cancer-predisposing syndrome. Last evaluated: 2023-12-14. Review status: criteria provided, single submitter. Criteria: Ambry Variant Classification Scheme 2023. Collection method: clinical testing. Allele origin: germline.
Comment: The c.1201-3C>T intronic variant results from a C to T substitution 3 nucleotides upstream from coding exon 5 in the AXIN2 gene. This nucleotide position is well conserved in available vertebrate species. In silico splice site analysis predicts that this alteration will not have any significant effect on splicing; however, direct evidence is insufficient at this time (Ambry internal data). Since supporting evidence is limited at this time, the clinical significance of this alteration remains unclear.

Labcorp Genetics (formerly Invitae), Labcorp
Classification: Uncertain significance for Oligodontia-cancer predisposition syndrome. Last evaluated: 2023-06-09. Review status: criteria provided, single submitter. Criteria: Invitae Variant Classification Sherloc (09022015). Collection method: clinical testing. Allele origin: germline.
Comment: This sequence change falls in intron 5 of the AXIN2 gene. It does not directly change the encoded amino acid sequence of the AXIN2 protein. It affects a nucleotide within the consensus splice site. The frequency data for this variant in the population databases is considered unreliable, as metrics indicate poor data quality at this position in the gnomAD database. This variant has not been reported in the literature in individuals affected with AXIN2-related conditions. ClinVar contains an entry for this variant (Variation ID: 964061). Variants that disrupt the consensus splice site are a relatively common cause of aberrant splicing (PMID: 17576681, 9536098). Algorithms developed to predict the effect of sequence changes on RNA splicing suggest that this variant is not likely to affect RNA splicing. In summary, the available evidence is currently insufficient to determine the role of this variant in disease. Therefore, it has been classified as a Variant of Uncertain Significance.

Literature cited by the submitters: PubMed 17576681 (cited by Labcorp Genetics (formerly Invitae), Labcorp); PubMed 9536098 (cited by Labcorp Genetics (formerly Invitae), Labcorp).